The following is an entry in ClinVar:

ClinVar aggregate classification (germline): Uncertain significance. Review status: criteria provided, single submitter (1 of 4 stars). 2 submissions from 2 submitters: Uncertain significance (1). 1 of the submissions does not count toward it. Last evaluated 2024-12-06.

Conditions:
Inborn genetic diseases. Identifiers: MedGen C0950123, MeSH D030342.
KIF21A-related disorder. Also called: KIF21A-related condition.

gnomAD v4.1: 22 of 1,597,478 alleles (0.0014%); highest among the groups gnomAD compares: Admixed American, 0.005%; no homozygotes.

Submissions (2):

Ambry Genetics
Classification: Uncertain significance for Inborn genetic diseases. Last evaluated: 2024-12-06. Review status: criteria provided, single submitter. Criteria: Ambry Variant Classification Scheme 2023. Collection method: clinical testing. Allele origin: germline.

PreventionGenetics, part of Exact Sciences
Classification: Uncertain significance for KIF21A-related condition. Last evaluated: 2024-01-22. Review status: no assertion criteria provided. Collection method: clinical testing. Allele origin: germline. Not counted in ClinVar's aggregate classification.
Comment: The KIF21A c.2407C>T variant is predicted to result in the amino acid substitution p.Arg803Cys. To our knowledge, this variant has not been reported in the literature. This variant is reported in 0.0062% of alleles in individuals of African descent in gnomAD. At this time, the clinical significance of this variant is uncertain due to the absence of conclusive functional and genetic evidence.

NM_001173464.2(KIF21A):c.2407C>T (p.Arg803Cys)

Gene: KIF21A (kinesin family member 21A; minus strand). Cytogenetic location: 12q12.
Variant type: single nucleotide variant.
Coding change: c.2407C>T on transcript NM_001173464.2 (MANE Select); coding-DNA position 2407, C replaced by T.
Protein change: p.Arg803Cys; replaces arginine 803 with cysteine.
Molecular consequence: missense variant.
Genome position (GRCh38, 1-based): chr12:39,337,107, G>A on the plus strand (C>T on the coding strand, the complement: KIF21A is on the minus strand). VCF-style: chr12-39337107-G-A. GRCh37 (hg19) VCF-style: chr12-39730909-G-A.
Other names: c.2368C>T, p.Arg790Cys (NM_001173463.2, NM_001173465.2, NM_001378441.1 and 1 more transcripts); c.2407C>T, p.Arg803Cys (NM_001378439.1, NM_001378440.1); c.2368C>T (NM_017641.3); short protein forms R790C, R803C.
Identifiers: ClinVar variation 3031734 (VCV003031734.3), dbSNP rs371582303, ClinGen allele CA6510815.